The following is an entry in ClinVar:

ClinVar aggregate classification (germline): Likely pathogenic (1 of 4 stars; one submission).

Conditions:
Dilated cardiomyopathy 1G (CMD1G). Identifiers: Orphanet 154, MedGen C1858763, MONDO:0011400, OMIM 604145.
Autosomal recessive limb-girdle muscular dystrophy type 2J (LGMDR10). Also called: Limb-girdle muscular dystrophy, type 2J; MUSCULAR DYSTROPHY, LIMB-GIRDLE, AUTOSOMAL RECESSIVE 10. Identifiers: Orphanet 140922, MedGen C1837342, MONDO:0012127, OMIM 608807.

Submission:

Labcorp Genetics (formerly Invitae), Labcorp
Classification: Likely pathogenic for Dilated cardiomyopathy 1G; Autosomal recessive limb-girdle muscular dystrophy type 2J. Last evaluated: 2022-12-25. Review status: criteria provided, single submitter. Criteria: Invitae Variant Classification Sherloc (09022015). Collection method: clinical testing. Allele origin: germline.
Comment: This sequence change creates a premature translational stop signal (p.Glu31252Lysfs*3) in the TTN gene. While this is not anticipated to result in nonsense mediated decay, it is expected to create a truncated TTN protein. In summary, the currently available evidence indicates that the variant is pathogenic, but additional data are needed to prove that conclusively. Therefore, this variant has been classified as Likely Pathogenic. This variant is located in the A band of TTN (PMID: 25589632). Truncating variants in this region are significantly overrepresented in patients affected with dilated cardiomyopathy (PMID: 25589632). Truncating variants in this region have also been reported in individuals affected with autosomal recessive centronuclear myopathy (PMID: 23975875). This variant has not been reported in the literature in individuals affected with TTN-related conditions. This variant is not present in population databases (gnomAD no frequency).

Literature cited by the submitters: PubMed 25589632; PubMed 23975875.

NM_001267550.2(TTN):c.93754del (p.Glu31252fs)

Genes: TTN (titin; minus strand), TTN-AS1 (TTN antisense RNA 1; plus strand). Cytogenetic location: 2q31.2.
Variant type: Deletion.
Coding change: c.93754del on transcript NM_001267550.2 (MANE Select); coding-DNA position 93754, one base deleted (G; older notation c.93754delG).
Protein change: p.Glu31252fs; shifts the reading frame from glutamic acid 31252.
Molecular consequence: frameshift variant.
Genome position (GRCh38, 1-based): chr2:178,547,872, C deleted on the plus strand (G on the coding strand, the reverse complement: TTN is on the minus strand); the first of 2 consecutive C bases (chr2:178,547,872-178,547,873); deleting either gives the same sequence. VCF-style (leftmost placement, unchanged base first): chr2-178547871-TC-T. GRCh37 (hg19) VCF-style: chr2-179412598-TC-T.
Other names: c.88831del, p.Glu29611fs (NM_001256850.1); c.66559del, p.Glu22187fs (NM_003319.4); c.86050del, p.Glu28684fs (NM_133378.4); c.66934del, p.Glu22312fs (NM_133432.3); c.67135del, p.Glu22379fs (NM_133437.4); short protein forms E29611fs, E22312fs, E22187fs, E22379fs, E28684fs, E31252fs.
Identifiers: ClinVar variation 2009686 (VCV002009686.4), dbSNP rs2469108370, ClinGen allele CA2580064586.